The following is an entry in ClinVar:

ClinVar aggregate classification (germline): Uncertain significance (1 of 4 stars; one submission).

gnomAD v4.1: 3 of 1,613,820 alleles (0.00019%); highest among the groups gnomAD compares: Non-Finnish European, 0.00025%; no homozygotes.

Submission:

GeneDx
Classification: Uncertain significance. Last evaluated: 2025-07-30. Review status: criteria provided, single submitter. Criteria: GeneDx Variant Classification Process June 2021. Collection method: clinical testing. Allele origin: germline. Affected: yes.
Comment: In silico analysis supports that this missense variant has a deleterious effect on protein structure/function; Has not been previously published as pathogenic or benign to our knowledge

NM_014974.3(DIP2C):c.820C>G (p.Arg274Gly)

Genes: DIP2C (DIP2 acetate--CoA ligase C (putative); minus strand), LOC126860807 (CDK7 strongly-dependent group 2 enhancer GRCh37_chr10:461462-462661; plus strand). Cytogenetic location: 10p15.3.
Variant type: single nucleotide variant.
Coding change: c.820C>G on transcript NM_014974.3 (MANE Select); coding-DNA position 820, C replaced by G.
Protein change: p.Arg274Gly; replaces arginine 274 with glycine.
Molecular consequence: missense variant.
Genome position (GRCh38, 1-based): chr10:415,808, G>C on the plus strand (C>G on the coding strand, the complement: DIP2C is on the minus strand). VCF-style: chr10-415808-G-C. GRCh37 (hg19) VCF-style: chr10-461748-G-C.
Other names: short protein forms R274G.
Identifiers: ClinVar variation 4690125 (VCV004690125.1).